The following is an entry in ClinVar:

NM_016204.4(GDF2):c.646C>T (p.Arg216Trp)

Gene: GDF2 (growth differentiation factor 2; plus strand). Cytogenetic location: 10q11.22.
Variant type: single nucleotide variant.
Coding change: c.646C>T on transcript NM_016204.4 (MANE Select); coding-DNA position 646, C replaced by T.
Protein change: p.Arg216Trp; replaces arginine 216 with tryptophan.
Molecular consequence: missense variant.
Genome position (GRCh38, 1-based): chr10:47,325,140, C>T. VCF-style: chr10-47325140-C-T. GRCh37 (hg19) VCF-style: chr10-48414222-G-A.
Other names: c.646C>T (NM_016204.1); short protein forms R216W.
Identifiers: ClinVar variation 855657 (VCV000855657.4), dbSNP rs556004917, ClinGen allele CA5488062.

ClinVar aggregate classification (germline): Conflicting classifications of pathogenicity. Review status: criteria provided, conflicting classifications (1 of 4 stars). 2 submissions from 2 submitters: Uncertain significance (1); Likely benign (1). Last evaluated 2023-07-05.

Conditions:
Cardiovascular phenotype. Identifiers: MedGen CN230736.
Telangiectasia, hereditary hemorrhagic, type 5 (HHT5). Identifiers: Orphanet 774, MedGen C3809710, MONDO:0014217, OMIM 615506.

Allele frequency attached by ClinVar (database versions not stated): TOPMed 0.00002; gnomAD 0.00003; gnomAD exomes 0.00003; ExAC 0.00004; 1000 Genomes Project 30x 0.00016; 1000 Genomes Project 0.00020.

Submissions (2):

Ambry Genetics
Classification: Likely benign for Cardiovascular phenotype. Last evaluated: 2023-07-05. Review status: criteria provided, single submitter. Criteria: Ambry Variant Classification Scheme 2023. Collection method: clinical testing. Allele origin: germline.

Labcorp Genetics (formerly Invitae), Labcorp
Classification: Uncertain significance for Telangiectasia, hereditary hemorrhagic, type 5. Last evaluated: 2021-08-13. Review status: criteria provided, single submitter. Criteria: Invitae Variant Classification Sherloc (09022015). Collection method: clinical testing. Allele origin: germline.
Comment: This sequence change replaces arginine with tryptophan at codon 216 of the GDF2 protein (p.Arg216Trp). The arginine residue is moderately conserved and there is a moderate physicochemical difference between arginine and tryptophan. This variant is present in population databases (rs556004917, ExAC 0.009%). This missense change has been observed in individual(s) with GDF2-related conditions (PMID: 31727138). ClinVar contains an entry for this variant (Variation ID: 855657). Algorithms developed to predict the effect of missense changes on protein structure and function are either unavailable or do not agree on the potential impact of this missense change (SIFT: "Deleterious"; PolyPhen-2: "Probably Damaging"; Align-GVGD: "Class C0"). In summary, the available evidence is currently insufficient to determine the role of this variant in disease. Therefore, it has been classified as a Variant of Uncertain Significance.

Literature cited by the submitters: PubMed 31727138 (cited by Ambry Genetics and Labcorp Genetics (formerly Invitae), Labcorp).